The following is an entry in ClinVar:

NM_000053.4(ATP7B):c.3122G>C (p.Arg1041Pro)

Gene: ATP7B (ATPase copper transporting beta; minus strand). Cytogenetic location: 13q14.3.
Variant type: single nucleotide variant.
Coding change: c.3122G>C on transcript NM_000053.4 (MANE Select); coding-DNA position 3122, G replaced by C.
Protein change: p.Arg1041Pro; replaces arginine 1041 with proline.
Molecular consequence: missense variant. On other transcripts: intron variant (1).
Genome position (GRCh38, 1-based): chr13:51,944,230, C>G on the plus strand (G>C on the coding strand, the complement: ATP7B is on the minus strand). VCF-style: chr13-51944230-C-G. GRCh37 (hg19) VCF-style: chr13-52518366-C-G.
Other names: c.2774G>C, p.Arg925Pro (NM_001406543.1); c.2540G>C, p.Arg847Pro (NM_001406544.1); c.2474G>C, p.Arg825Pro (NM_001406545.1); c.2441G>C, p.Arg814Pro (NM_001406546.1); c.2279G>C, p.Arg760Pro (NM_001406547.1); c.1832G>C, p.Arg611Pro (NM_001406548.1); c.3061-1676G>C (NM_001406523.1); c.2501G>C, p.Arg834Pro (NM_001005918.3); and 19 more; short protein forms R1039P, R611P, R760P, R847P, R925P, R928P, R957P, R1009P.
Identifiers: ClinVar variation 2736041 (VCV002736041.5), dbSNP rs2547628381, ClinGen allele CA388030304.

ClinVar aggregate classification (germline): Conflicting classifications of pathogenicity. Review status: criteria provided, conflicting classifications (1 of 4 stars). 3 submissions from 3 submitters: Likely pathogenic (2); Uncertain significance (1). Last evaluated 2025-09-10.

Conditions:
Wilson disease (WND). Also called: Wilson's disease. Identifiers: Orphanet 905, MedGen C0019202, MONDO:0010200, OMIM 277900. Disease mechanism: loss of function.

Submissions (3):

Myriad Genetics, Inc.
Classification: Uncertain significance for Wilson disease. Last evaluated: 2025-09-10. Review status: criteria provided, single submitter. Criteria: Myriad Autosomal Dominant, Autosomal Recessive and X-Linked Classification Criteria (2023). Collection method: clinical testing. Allele origin: unknown.
Comment: NM_000053.3(ATP7B):c.3122G>C(R1041P) is a missense variant classified as a variant of uncertain significance in the context of Wilson disease. R1041P has been observed in cases with relevant disease (PMID: 10544227, 11405812, 20967755, 27982432, 36872857). Relevant functional assessments of this variant are not available in the literature. R1041P has not been observed in referenced population frequency databases. In summary, there is insufficient evidence to classify NM_000053.3(ATP7B):c.3122G>C(R1041P) as pathogenic or benign. Please note: this variant was assessed in the context of healthy population screening.

All of Us Research Program, National Institutes of Health
Classification: Likely pathogenic for Wilson disease. Last evaluated: 2024-07-10. Review status: criteria provided, single submitter. Criteria: ACMG Guidelines, 2015. Collection method: clinical testing. Allele origin: germline. Inheritance: Autosomal recessive inheritance. Observed: 1 variant allele, 1 heterozygote.
Comment: This missense variant replaces arginine with proline at codon 1041 in the N domain of the ATP7B protein (a.a. 1032 - 1196), a highly conserved region that is considered to be important for ATP7B protein function (PMID: 35245129; ClinVar). Computational prediction suggests that this variant may have deleterious impact on protein structure and function. To our knowledge, functional studies have not been reported for this variant. This variant has been observed in individuals affected with autosomal recessive Wilson disease (PMID: 10544227, 27982432, 34470610, 36872857), including in the homozygous state (PMID: 11405812) and co-occurring with a known pathogenic variant (PMID: 20967755). This variant has not been identified in the general population by the Genome Aggregation Database (gnomAD). A different missense variant occurring at the same codon, p.Arg1041Trp, is known to be disease-causing (ClinVar Variation ID: 312384). Based on the available evidence, this variant is classified as Likely Pathogenic.

This study involves interpretation of variants in research participants for the purpose of population health screening. Participant phenotype was not available at the time of variant classification. Additional details can be found in publication PMID: 35346344, PMCID: PMC8962531

Labcorp Genetics (formerly Invitae), Labcorp
Classification: Likely pathogenic for Wilson disease. Last evaluated: 2023-03-09. Review status: criteria provided, single submitter. Criteria: Invitae Variant Classification Sherloc (09022015). Collection method: clinical testing. Allele origin: germline.
Comment: In summary, the currently available evidence indicates that the variant is pathogenic, but additional data are needed to prove that conclusively. Therefore, this variant has been classified as Likely Pathogenic. This variant disrupts the p.Arg1041 amino acid residue in ATP7B. Other variant(s) that disrupt this residue have been determined to be pathogenic (PMID: 10544227, 15024742, 15967699, 18855987, 20931554, 21610751, 22677543, 25982861, 27022412; Invitae). This suggests that this residue is clinically significant, and that variants that disrupt this residue are likely to be disease-causing. Advanced modeling of protein sequence and biophysical properties (such as structural, functional, and spatial information, amino acid conservation, physicochemical variation, residue mobility, and thermodynamic stability) performed at Invitae indicates that this missense variant is not expected to disrupt ATP7B protein function. This missense change has been observed in individual(s) with Wilson disease (PMID: 10194254, 10544227). This variant is not present in population databases (gnomAD no frequency). This sequence change replaces arginine, which is basic and polar, with proline, which is neutral and non-polar, at codon 1041 of the ATP7B protein (p.Arg1041Pro).

Literature cited by the submitters: PubMed 10544227 (cited by 3 submitters); PubMed 11405812 (cited by Myriad Genetics, Inc. and All of Us Research Program, National Institutes of Health); PubMed 20967755 (cited by Myriad Genetics, Inc. and All of Us Research Program, National Institutes of Health); PubMed 27982432 (cited by Myriad Genetics, Inc. and All of Us Research Program, National Institutes of Health); PubMed 36872857 (cited by Myriad Genetics, Inc. and All of Us Research Program, National Institutes of Health); PubMed 34470610 (cited by All of Us Research Program, National Institutes of Health); PubMed 35245129 (cited by All of Us Research Program, National Institutes of Health); PubMed 15024742 (cited by Labcorp Genetics (formerly Invitae), Labcorp); PubMed 15967699 (cited by Labcorp Genetics (formerly Invitae), Labcorp); PubMed 18855987 (cited by Labcorp Genetics (formerly Invitae), Labcorp); PubMed 20931554 (cited by Labcorp Genetics (formerly Invitae), Labcorp); PubMed 21610751 (cited by Labcorp Genetics (formerly Invitae), Labcorp); PubMed 22677543 (cited by Labcorp Genetics (formerly Invitae), Labcorp); PubMed 25982861 (cited by Labcorp Genetics (formerly Invitae), Labcorp); PubMed 27022412 (cited by Labcorp Genetics (formerly Invitae), Labcorp); PubMed 10194254 (cited by Labcorp Genetics (formerly Invitae), Labcorp).